The following is an entry in ClinVar:

NM_006947.4(SRP72):c.1385G>C (p.Arg462Pro)

Gene: SRP72 (signal recognition particle 72; plus strand). Cytogenetic location: 4q12.
Variant type: single nucleotide variant.
Coding change: c.1385G>C on transcript NM_006947.4 (MANE Select); coding-DNA position 1385, G replaced by C.
Protein change: p.Arg462Pro; replaces arginine 462 with proline.
Molecular consequence: missense variant. On other transcripts: non-coding transcript variant (1).
Genome position (GRCh38, 1-based): chr4:56,490,397, G>C. VCF-style: chr4-56490397-G-C. GRCh37 (hg19) VCF-style: chr4-57356563-G-C.
Other names: c.1202G>C, p.Arg401Pro (NM_001267722.2); short protein forms R401P, R462P.
Identifiers: ClinVar variation 3962102 (VCV003962102.1).
Genomic context (GRCh38, chr4:56,490,397, plus strand): 5'-AATCTCCTGCTCATTTGTCCTTGATAAGAGAAGCTGCAAACTTCAAACTCAAATATGGGC[G>C]GAAGAAGGAGGCAATTAGTGACCTACAACAGCTGTGGAAGTAAGCTCTGAAACGTGGAGT-3'
Protein context (NP_008878.3, residues 452-472): EAANFKLKYG[Arg462Pro]KKEAISDLQQ

ClinVar aggregate classification (germline): Uncertain significance (1 of 4 stars; one submission).

Submission:

Ambry Genetics
Classification: Uncertain significance. Last evaluated: 2025-05-16. Review status: criteria provided, single submitter. Criteria: Ambry Variant Classification Scheme 2023. Collection method: clinical testing. Allele origin: germline.
Comment: The p.R462P variant (also known as c.1385G>C), located in coding exon 14 of the SRP72 gene, results from a G to C substitution at nucleotide position 1385. The arginine at codon 462 is replaced by proline, an amino acid with dissimilar properties. This amino acid position is conserved. In addition, this alteration is predicted to be deleterious by in silico analysis. Based on the available evidence, the clinical significance of this variant remains unclear.